The following is an entry in ClinVar:

NM_001267727.2(ARSG):c.1280G>A (p.Arg427His)

Gene: ARSG (arylsulfatase G; plus strand). Cytogenetic location: 17q24.2.
Variant type: single nucleotide variant.
Coding change: c.1280G>A on transcript NM_001267727.2 (MANE Select); coding-DNA position 1280, G replaced by A.
Protein change: p.Arg427His; replaces arginine 427 with histidine.
Molecular consequence: missense variant.
Genome position (GRCh38, 1-based): chr17:68,401,427, G>A. VCF-style: chr17-68401427-G-A. GRCh37 (hg19) VCF-style: chr17-66397568-G-A.
Other names: c.1280G>A, p.Arg427His (NM_001352899.2, NM_001352900.2, NM_001352901.2 and 3 more transcripts); c.1277G>A, p.Arg426His (NM_001352903.2, NM_001352904.2, NM_001352905.2 and 2 more transcripts); c.1232G>A, p.Arg411His (NM_001352909.2); short protein forms R427H, R426H, R411H.
Identifiers: ClinVar variation 3023717 (VCV003023717.2), dbSNP rs771033496, ClinGen allele CA8728536.

ClinVar aggregate classification (germline): Uncertain significance (1 of 4 stars; one submission).

Allele frequency attached by ClinVar (database versions not stated): ExAC 0.00002.
gnomAD v4.1: 41 of 1,613,906 alleles (0.0025%); highest among the groups gnomAD compares: South Asian, 0.0077%; no homozygotes.

Submission:

Labcorp Genetics (formerly Invitae), Labcorp
Classification: Uncertain significance. Last evaluated: 2023-02-22. Review status: criteria provided, single submitter. Criteria: Invitae Variant Classification Sherloc (09022015). Collection method: clinical testing. Allele origin: germline.
Comment: In summary, the available evidence is currently insufficient to determine the role of this variant in disease. Therefore, it has been classified as a Variant of Uncertain Significance. Advanced modeling of protein sequence and biophysical properties (such as structural, functional, and spatial information, amino acid conservation, physicochemical variation, residue mobility, and thermodynamic stability) performed at Invitae indicates that this missense variant is not expected to disrupt ARSG protein function. This variant has not been reported in the literature in individuals affected with ARSG-related conditions. This variant is present in population databases (rs771033496, gnomAD 0.003%). This sequence change replaces arginine, which is basic and polar, with histidine, which is basic and polar, at codon 427 of the ARSG protein (p.Arg427His).